The following is an entry in ClinVar:

NM_000264.5(PTCH1):c.37C>T (p.Arg13Cys)

Genes: PTCH1 (patched 1; minus strand), LOC130002133 (ATAC-STARR-seq lymphoblastoid silent region 20071; plus strand). Cytogenetic location: 9q22.32.
Variant type: single nucleotide variant.
Coding change: c.37C>T on transcript NM_000264.5 (MANE Select); coding-DNA position 37, C replaced by T.
Protein change: p.Arg13Cys; replaces arginine 13 with cysteine.
Molecular consequence: missense variant. On other transcripts: non-coding transcript variant (1), intron variant (3).
Genome position (GRCh38, 1-based): chr9:95,508,325, G>A on the plus strand (C>T on the coding strand, the complement: PTCH1 is on the minus strand). VCF-style: chr9-95508325-G-A. GRCh37 (hg19) VCF-style: chr9-98270607-G-A.
Other names: c.37C>T, p.Arg13Cys (NM_001354918.2); c.199-1726C>T (NM_001083603.3); c.4-1726C>T (NM_001083602.3, NM_001354919.2); short protein forms R13C.
Identifiers: ClinVar variation 930369 (VCV000930369.10), dbSNP rs779791579, ClinGen allele CA374121580.
Genomic context (GRCh38, chr9:95,508,325, plus strand): 5'-GCCTCCCGCCTCCAGCCGGCCGTCCCGGGGCACCGATACAGCCGCTGCCGCCGCCGCCGC[G>A]GTCCTGGGGCTCGGCGGCGTTACCAGCCGAGGCCATGTTGCCGCCGCCGCCGCCGCCGCC-3'
Protein context (NP_000255.2, residues 3-23): SAGNAAEPQD[Arg13Cys]GGGGSGCIGA

ClinVar aggregate classification (germline): Uncertain significance. Review status: criteria provided, multiple submitters, no conflicts (2 of 4 stars). 3 submissions from 3 submitters: Uncertain significance (3). Last evaluated 2025-04-29.

Conditions:
Hereditary cancer-predisposing syndrome. Also called: Tumor predisposition; Hereditary neoplastic syndrome; Neoplastic Syndromes, Hereditary; Hereditary Cancer Syndrome. Identifiers: Orphanet 140162, MedGen C0027672, MeSH D009386, MONDO:0015356.
Basal cell carcinoma, susceptibility to, 1. Also called: BCC1. Identifiers: MedGen C2751544, MONDO:0011556, OMIM 605462.
Gorlin syndrome. Also called: Nevoid Basal Cell Carcinoma Syndrome; Basal cell nevus syndrome. Identifiers: Orphanet 377, MedGen C0004779, MONDO:0007187.

gnomAD v4.1: 4 of 1,329,998 alleles (0.0003%); highest among the groups gnomAD compares: Admixed American, 0.0041%; no homozygotes.

Submissions (3):

Labcorp Genetics (formerly Invitae), Labcorp
Classification: Uncertain significance for Gorlin syndrome. Last evaluated: 2025-04-29. Review status: criteria provided, single submitter. Criteria: Invitae Variant Classification Sherloc (09022015). Collection method: clinical testing. Allele origin: germline.
Comment: This sequence change replaces arginine, which is basic and polar, with cysteine, which is neutral and slightly polar, at codon 13 of the PTCH1 protein (p.Arg13Cys). This variant is not present in population databases (gnomAD no frequency). This variant has not been reported in the literature in individuals affected with PTCH1-related conditions. ClinVar contains an entry for this variant (Variation ID: 930369). Invitae Evidence Modeling of protein sequence and biophysical properties (such as structural, functional, and spatial information, amino acid conservation, physicochemical variation, residue mobility, and thermodynamic stability) indicates that this missense variant is not expected to disrupt PTCH1 protein function with a negative predictive value of 95%. In summary, the available evidence is currently insufficient to determine the role of this variant in disease. Therefore, it has been classified as a Variant of Uncertain Significance.

Ambry Genetics
Classification: Uncertain significance for Hereditary cancer-predisposing syndrome. Last evaluated: 2023-12-21. Review status: criteria provided, single submitter. Criteria: Ambry Variant Classification Scheme 2023. Collection method: clinical testing. Allele origin: germline.
Comment: The p.R13C variant (also known as c.37C>T), located in coding exon 1 of the PTCH1 gene, results from a C to T substitution at nucleotide position 37. The arginine at codon 13 is replaced by cysteine, an amino acid with highly dissimilar properties. This amino acid position is poorly conserved in available vertebrate species. In addition, this alteration is predicted to be tolerated by in silico analysis. Since supporting evidence is limited at this time, the clinical significance of this alteration remains unclear.

Centre for Mendelian Genomics, University Medical Centre Ljubljana
Classification: Uncertain significance for Basal cell carcinoma, susceptibility to, 1. Last evaluated: 2019-04-04. Review status: criteria provided, single submitter. Criteria: ACMG Guidelines, 2015. Collection method: clinical testing. Allele origin: unknown. Affected: yes.
Comment: This variant was classified as: Uncertain significance. The available evidence on this variant's pathogenicity is insufficient or conflicting. The following ACMG criteria were applied in classifying this variant: PM2. This variant was detected in homozygous state.